The following is an entry in ClinVar:

ClinVar aggregate classification (germline): Pathogenic/Likely pathogenic. Review status: criteria provided, multiple submitters, no conflicts (2 of 4 stars). 3 submissions from 3 submitters: Pathogenic (2); Likely pathogenic (1). Last evaluated 2025-07-05.

Conditions:
Mucolipidosis type IV (ML4). Also called: ML IV. Identifiers: Orphanet 578, MedGen C0238286, MONDO:0009653, OMIM 252650.

Submissions (3):

Natera, Inc.
Classification: Likely pathogenic for Mucolipidosis type IV. Last evaluated: 2025-07-05. Review status: criteria provided, single submitter. Criteria: Natera Variant Classification Schema (03/2026). Collection method: clinical testing. Allele origin: germline.
Comment: The c.615dupC variant in MCOLN1 is a frameshift variant predicted to shift the reading frame beginning at codon 206 and leads to a stop codon 36 codons downstream. This variant is expected to result in nonsense mediated decay, truncation, or a dysfunctional protein product. This variant is rare in the general population with a frequency below the threshold expected for the associated phenotype(s). Given the available evidence, this variant is classified as Likely Pathogenic.

Labcorp Genetics (formerly Invitae), Labcorp
Classification: Pathogenic for Mucolipidosis type IV. Last evaluated: 2022-01-18. Review status: criteria provided, single submitter. Criteria: Invitae Variant Classification Sherloc (09022015). Collection method: clinical testing. Allele origin: germline.
Comment: This variant has not been reported in the literature in individuals affected with MCOLN1-related conditions. ClinVar contains an entry for this variant (Variation ID: 280304). For these reasons, this variant has been classified as Pathogenic. This variant is not present in population databases (gnomAD no frequency). This sequence change creates a premature translational stop signal (p.Ser206Glnfs*36) in the MCOLN1 gene. It is expected to result in an absent or disrupted protein product. Loss-of-function variants in MCOLN1 are known to be pathogenic (PMID: 11030752, 11317355).

GeneDx
Classification: Pathogenic. Last evaluated: 2016-01-21. Review status: criteria provided, single submitter. Criteria: GeneDx Variant Classification (06012015). Collection method: clinical testing. Allele origin: germline. Affected: yes.
Comment: The c.615dupC pathogenic variant in the MCOLN1 gene has not been reported previously as a pathogenic variant nor as a benign variant, to our knowledge. The c.615dupC variant causes a frameshift starting with codon Serine 206, changes this amino acid to a Glutamine residue, and creates a premature Stop codon at position 36 of the new reading frame, denoted p.Ser206GlnfsX36. This variant is predicted to cause loss of normal protein function either through protein truncation or nonsense-mediated mRNA decay. The c.615dupC variant was not observed in approximately 6,500 individuals of European and African American ancestry in the NHLBI Exome Sequencing Project, indicating it is not a common benign variant in these populations. We interpret c.615dupC as a pathogenic variant.

Literature cited by the submitters: PubMed 11030752 (cited by Labcorp Genetics (formerly Invitae), Labcorp); PubMed 11317355 (cited by Labcorp Genetics (formerly Invitae), Labcorp).

NM_020533.3(MCOLN1):c.615dup (p.Ser206fs)

Gene: MCOLN1 (mucolipin TRP cation channel 1; plus strand). Cytogenetic location: 19p13.2.
Variant type: Duplication.
Coding change: c.615dup on transcript NM_020533.3 (MANE Select); coding-DNA position 615, one base duplicated (C; older notation c.615dupC).
Protein change: p.Ser206fs; shifts the reading frame from serine 206.
Molecular consequence: frameshift variant.
Genome position (GRCh38, 1-based): chr19:7,527,563, C duplicated; the last of 6 consecutive C bases (chr19:7,527,558-7,527,563); duplicating any one gives the same sequence. VCF-style (leftmost placement, unchanged base first): chr19-7527557-G-GC. GRCh37 (hg19) VCF-style: chr19-7592443-G-GC.
Other names: short protein forms S206fs.
Identifiers: ClinVar variation 280304 (VCV000280304.8), dbSNP rs886041533, ClinGen allele CA10603662.